The following is an entry in ClinVar:

ClinVar aggregate classification (germline): Uncertain significance (1 of 4 stars; one submission).

Conditions:
Agammaglobulinemia 6, autosomal recessive (AGM6). Also called: AGAMMAGLOBULINEMIA 6; AGAMMAGLOBULINEMIA, AUTOSOMAL RECESSIVE, DUE TO CD79B DEFECT. Identifiers: MedGen C3150207, MONDO:0012987, OMIM 612692.

Allele frequency attached by ClinVar (database versions not stated): gnomAD exomes below 0.00001.
gnomAD v4.1: 1 of 1,614,120 alleles (0.000062%); highest among the groups gnomAD compares: South Asian, 0.0011%; no homozygotes.

Submission:

Labcorp Genetics (formerly Invitae), Labcorp
Classification: Uncertain significance for Agammaglobulinemia 6, autosomal recessive. Last evaluated: 2022-07-25. Review status: criteria provided, single submitter. Criteria: Invitae Variant Classification Sherloc (09022015). Collection method: clinical testing. Allele origin: germline.
Comment: In summary, the available evidence is currently insufficient to determine the role of this variant in disease. Therefore, it has been classified as a Variant of Uncertain Significance. Algorithms developed to predict the effect of missense changes on protein structure and function are either unavailable or do not agree on the potential impact of this missense change (SIFT: "Not Available"; PolyPhen-2: "Probably Damaging"; Align-GVGD: "Not Available"). This variant has not been reported in the literature in individuals affected with CD79B-related conditions. This variant is not present in population databases (gnomAD no frequency). This sequence change replaces alanine, which is neutral and non-polar, with threonine, which is neutral and polar, at codon 54 of the CD79B protein (p.Ala54Thr).

NM_000626.4(CD79B):c.160G>A (p.Ala54Thr)

Genes: CD79B (CD79b molecule; minus strand), GH-LCR (growth hormone locus control region; plus strand). Cytogenetic location: 17q23.3.
Variant type: single nucleotide variant.
Coding change: c.160G>A on transcript NM_000626.4 (MANE Select); coding-DNA position 160, G replaced by A.
Protein change: p.Ala54Thr; replaces alanine 54 with threonine.
Molecular consequence: missense variant. On other transcripts: intron variant (2).
Genome position (GRCh38, 1-based): chr17:63,930,344, C>T on the plus strand (G>A on the coding strand, the complement: CD79B is on the minus strand). VCF-style: chr17-63930344-C-T. GRCh37 (hg19) VCF-style: chr17-62007704-C-T.
Other names: c.163G>A, p.Ala55Thr (NM_001039933.3); c.119-456G>A (NM_021602.4); c.122-456G>A (NM_001329050.2); short protein forms A55T, A54T.
Identifiers: ClinVar variation 1929246 (VCV001929246.4), dbSNP rs2509269272, ClinGen allele CA400605350.